The following is an entry in ClinVar:

NM_001006630.2(CHRM2):c.1021A>G (p.Asn341Asp)

Genes: CHRM2 (cholinergic receptor muscarinic 2; plus strand), LOC349160 (uncharacterized LOC349160; minus strand). Cytogenetic location: 7q33.
Variant type: single nucleotide variant.
Coding change: c.1021A>G on transcript NM_001006630.2 (MANE Select); coding-DNA position 1021, A replaced by G.
Protein change: p.Asn341Asp; replaces asparagine 341 with aspartic acid.
Molecular consequence: missense variant.
Genome position (GRCh38, 1-based): chr7:137,015,886, A>G. VCF-style: chr7-137015886-A-G. GRCh37 (hg19) VCF-style: chr7-136700633-A-G.
Other names: c.1021A>G, p.Asn341Asp (NM_000739.3, NM_001006626.3, NM_001006627.3 and 6 more transcripts); short protein forms N341D.
Identifiers: ClinVar variation 2705291 (VCV002705291.3), dbSNP rs2536209667, ClinGen allele CA369487797.

ClinVar aggregate classification (germline): Uncertain significance (1 of 4 stars; one submission).

Submission:

Labcorp Genetics (formerly Invitae), Labcorp
Classification: Uncertain significance. Last evaluated: 2023-12-24. Review status: criteria provided, single submitter. Criteria: Invitae Variant Classification Sherloc (09022015). Collection method: clinical testing. Allele origin: germline.
Comment: This sequence change replaces asparagine, which is neutral and polar, with aspartic acid, which is acidic and polar, at codon 341 of the CHRM2 protein (p.Asn341Asp). This variant is not present in population databases (gnomAD no frequency). This variant has not been reported in the literature in individuals affected with CHRM2-related conditions. An algorithm developed to predict the effect of missense changes on protein structure and function (PolyPhen-2) suggests that this variant is likely to be tolerated. In summary, the available evidence is currently insufficient to determine the role of this variant in disease. Therefore, it has been classified as a Variant of Uncertain Significance.